The following is an entry in ClinVar:

ClinVar aggregate classification (germline): Uncertain significance (1 of 4 stars; one submission).

Submission:

GeneDx
Classification: Uncertain significance. Last evaluated: 2024-12-19. Review status: criteria provided, single submitter. Criteria: GeneDx Variant Classification Process June 2021. Collection method: clinical testing. Allele origin: germline. Affected: yes.
Comment: Not observed at significant frequency in large population cohorts (gnomAD); In silico analysis supports that this missense variant has a deleterious effect on protein structure/function; Has not been previously published as pathogenic or benign to our knowledge

NM_170606.3(KMT2C):c.9928C>A (p.Gln3310Lys)

Gene: KMT2C (lysine methyltransferase 2C; minus strand). Cytogenetic location: 7q36.1.
Variant type: single nucleotide variant.
Coding change: c.9928C>A on transcript NM_170606.3 (MANE Select); coding-DNA position 9928, C replaced by A.
Protein change: p.Gln3310Lys; replaces glutamine 3310 with lysine.
Molecular consequence: missense variant.
Genome position (GRCh38, 1-based): chr7:152,163,649, G>T on the plus strand (C>A on the coding strand, the complement: KMT2C is on the minus strand). VCF-style: chr7-152163649-G-T. GRCh37 (hg19) VCF-style: chr7-151860734-G-T.
Other names: short protein forms Q3310K.
Identifiers: ClinVar variation 3372907 (VCV003372907.2).